The following is an entry in ClinVar:

ClinVar aggregate classification (germline): Uncertain significance. Review status: criteria provided, multiple submitters, no conflicts (2 of 4 stars). 2 submissions from 2 submitters: Uncertain significance (2). Last evaluated 2024-12-07.

Conditions:
Dyskeratosis congenita. Identifiers: Orphanet 1775, MedGen C0265965, MONDO:0015780.
Idiopathic Pulmonary Fibrosis. Also called: Idiopathic fibrosing alveolitis, chronic form; idiopathic fibrosing alveolitis. Identifiers: Orphanet 2032, MedGen C1800706, MeSH D054990, MONDO:0800504.
Dyskeratosis congenita, autosomal dominant 2. Identifiers: MedGen C3151443, MONDO:0013521, OMIM 613989.

Allele frequency attached by ClinVar (database versions not stated): gnomAD exomes 0.00001.
gnomAD v4.1: 10 of 1,614,188 alleles (0.00062%); highest among the groups gnomAD compares: Non-Finnish European, 0.00085%; no homozygotes.

Submissions (2):

Ambry Genetics
Classification: Uncertain significance for Dyskeratosis congenita. Last evaluated: 2024-12-07. Review status: criteria provided, single submitter. Criteria: Ambry Variant Classification Scheme 2023. Collection method: clinical testing. Allele origin: germline.
Comment: The p.V728I variant (also known as c.2182G>A), located in coding exon 6 of the TERT gene, results from a G to A substitution at nucleotide position 2182. The valine at codon 728 is replaced by isoleucine, an amino acid with highly similar properties. This amino acid position is conserved. In addition, the in silico prediction for this alteration is inconclusive. Based on the available evidence, the clinical significance of this variant remains unclear.

Labcorp Genetics (formerly Invitae), Labcorp
Classification: Uncertain significance for Dyskeratosis congenita, autosomal dominant 2; Idiopathic Pulmonary Fibrosis. Last evaluated: 2021-07-26. Review status: criteria provided, single submitter. Criteria: Invitae Variant Classification Sherloc (09022015). Collection method: clinical testing. Allele origin: germline.
Comment: In summary, the available evidence is currently insufficient to determine the role of this variant in disease. Therefore, it has been classified as a Variant of Uncertain Significance. Advanced modeling of protein sequence and biophysical properties (such as structural, functional, and spatial information, amino acid conservation, physicochemical variation, residue mobility, and thermodynamic stability) performed at Invitae indicates that this missense variant is expected to disrupt TERT protein function. This variant has not been reported in the literature in individuals affected with TERT-related conditions. This variant is not present in population databases (ExAC no frequency). This sequence change replaces valine with isoleucine at codon 728 of the TERT protein (p.Val728Ile). The valine residue is highly conserved and there is a small physicochemical difference between valine and isoleucine.

NM_198253.3(TERT):c.2182G>A (p.Val728Ile)

Gene: TERT (telomerase reverse transcriptase; minus strand). Cytogenetic location: 5p15.33.
Variant type: single nucleotide variant.
Coding change: c.2182G>A on transcript NM_198253.3 (MANE Select); coding-DNA position 2182, G replaced by A.
Protein change: p.Val728Ile; replaces valine 728 with isoleucine.
Molecular consequence: missense variant. On other transcripts: non-coding transcript variant (2).
Genome position (GRCh38, 1-based): chr5:1,278,745, C>T on the plus strand (G>A on the coding strand, the complement: TERT is on the minus strand). VCF-style: chr5-1278745-C-T. GRCh37 (hg19) VCF-style: chr5-1278860-C-T.
Other names: c.2182G>A, p.Val728Ile (NM_001193376.3); c.2182G>A (NM_198253.2); short protein forms V728I.
Identifiers: ClinVar variation 1444574 (VCV001444574.47), dbSNP rs2126640328, ClinGen allele CA359079528.
Genomic context (GRCh38, chr5:1,278,745, plus strand): 5'-GGACCACGGCATACCGACGCACGCAGTACGTGTTCTGGGGTTTGATGATGCTGGCGATGA[C>T]CTCCGTGAGCCTGTCCTGGGGGATGGTGTCGTACGCGCCCGTCACATCCACCTGTGTGAG-3'
Protein context (NP_937983.2, residues 718-738): DTIPQDRLTE[Val728Ile]IASIIKPQNT